The following is an entry in ClinVar:

NM_000383.4(AIRE):c.43C>G (p.Arg15Gly)

Gene: AIRE (autoimmune regulator; plus strand). Cytogenetic location: 21q22.3.
Variant type: single nucleotide variant.
Coding change: c.43C>G on transcript NM_000383.4 (MANE Select); coding-DNA position 43, C replaced by G.
Protein change: p.Arg15Gly; replaces arginine 15 with glycine.
Molecular consequence: missense variant.
Genome position (GRCh38, 1-based): chr21:44,286,049, C>G. VCF-style: chr21-44286049-C-G. GRCh37 (hg19) VCF-style: chr21-45705932-C-G.
Other names: c.43C>G (NM_000383.3); short protein forms R15G.
Identifiers: ClinVar variation 1481156 (VCV001481156.9), dbSNP rs179363875, ClinGen allele CA410422992.

ClinVar aggregate classification (germline): Conflicting classifications of pathogenicity. Review status: criteria provided, conflicting classifications (1 of 4 stars). 2 submissions from 2 submitters: Likely pathogenic (1); Uncertain significance (1). Last evaluated 2026-01-23.

Conditions:
Polyglandular autoimmune syndrome, type 1 (APS1). Also called: APS I; Whitaker syndrome; Autoimmune polyendocrinopathy syndrome, type I; Autoimmune polyendocrinopathy syndrome , type I, with or without reversible metaphyseal dysplasia; PGA I; AUTOIMMUNE POLYENDOCRINE SYNDROME, TYPE I, WITH OR WITHOUT REVERSIBLE METAPHYSEAL DYSPLASIA. Identifiers: Orphanet 3453, MedGen C0085859, MONDO:0009411, OMIM 240300.
AIRE-related disorder. Also called: AIRE-related condition.

Submissions (2):

PreventionGenetics, part of Exact Sciences
Classification: Uncertain significance for AIRE-related condition. Last evaluated: 2026-01-23. Review status: criteria provided, single submitter. Criteria: ACMG Guidelines, 2015. Collection method: clinical testing. Allele origin: germline.
Comment: The AIRE c.43C>G variant is predicted to result in the amino acid substitution p.Arg15Gly. To our knowledge, this variant has not been reported in the literature or in a large population database (gnomAD), indicating this variant is rare. Different missense changes impacting the same amino acid (p.Arg15Leu, p.Arg15His, p.Arg15Cys) have been reported in individuals with APECED (Pearce et al. 1998. PubMed ID: 9837820; Celmeli et al. 2017. PubMed ID: 28222032; Sato et al. 2002. PubMed ID: 12625412), suggesting the p.Arg15 residue is important for AIRE function. Although we suspect that the c.43C>G (p.Arg15Gly) variant may be pathogenic, at this time, the clinical significance of this variant is uncertain due to the absence of conclusive functional and genetic evidence.

Labcorp Genetics (formerly Invitae), Labcorp
Classification: Likely pathogenic for Polyglandular autoimmune syndrome, type 1. Last evaluated: 2024-03-04. Review status: criteria provided, single submitter. Criteria: Invitae Variant Classification Sherloc (09022015). Collection method: clinical testing. Allele origin: germline.
Comment: This sequence change replaces arginine, which is basic and polar, with glycine, which is neutral and non-polar, at codon 15 of the AIRE protein (p.Arg15Gly). This variant is not present in population databases (gnomAD no frequency). This variant has not been reported in the literature in individuals affected with AIRE-related conditions. ClinVar contains an entry for this variant (Variation ID: 1481156). Advanced modeling of protein sequence and biophysical properties (such as structural, functional, and spatial information, amino acid conservation, physicochemical variation, residue mobility, and thermodynamic stability) performed at Invitae indicates that this missense variant is expected to disrupt AIRE protein function with a positive predictive value of 95%. This variant disrupts the p.Arg15 amino acid residue in AIRE. Other variant(s) that disrupt this residue have been determined to be pathogenic (PMID: 9837820, 14974083, 15712268). This suggests that this residue is clinically significant, and that variants that disrupt this residue are likely to be disease-causing. In summary, the currently available evidence indicates that the variant is pathogenic, but additional data are needed to prove that conclusively. Therefore, this variant has been classified as Likely Pathogenic.

Literature cited by the submitters: PubMed 9837820 (cited by Labcorp Genetics (formerly Invitae), Labcorp); PubMed 14974083 (cited by Labcorp Genetics (formerly Invitae), Labcorp); PubMed 15712268 (cited by Labcorp Genetics (formerly Invitae), Labcorp).